The following is an entry in ClinVar:

NC_000009.12:g.(?_6595004)_(6620329_?)del

Gene: GLDC (glycine decarboxylase; minus strand). Cytogenetic location: 9p24.1.
Variant type: Deletion.
Identifiers: ClinVar variation 833466 (VCV000833466.1).

ClinVar aggregate classification (germline): Pathogenic (1 of 4 stars; one submission).

Conditions:
Glycine encephalopathy. Also called: Nonketotic hyperglycinemia; Non-ketotic hyperglycinemia. Identifiers: Orphanet 407, MedGen C0751748, MONDO:0011612, HP:0008288.

Submission:

Labcorp Genetics (formerly Invitae), Labcorp
Classification: Pathogenic for Non-ketotic hyperglycinemia. Last evaluated: 2019-04-08. Review status: criteria provided, single submitter. Criteria: Invitae Variant Classification Sherloc (09022015). Collection method: clinical testing. Allele origin: germline.
Comment: This variant is an in-frame deletion of the genomic region encompassing exons 3-9 of the GLDC gene. It preserves the integrity of the reading frame. Deletion of exons 3-9 has been reported in the literature in individuals affected with nonketotic hyperglycinemia, including in an individual who also carried another rare missense change in GLDC (PMID: 17361008, 27362913). This sequence change is expected to delete 309 amino acids from the GLDC protein (p.Glu113_Gly421del), which contains a pathogenic missense substitution at codon 389 (p.Ala389Val) that has been reported in individuals with glycine encephalopathy and has been shown to reduce GLDC enzymatic activity (PMID: 15824356, 16450403, 26179960, 26749113, 27362913). This suggests that the alanine residue is critical for GLDC protein function and that the deletion including this codon may also be deleterious to protein function. For these reasons, this variant has been classified as Pathogenic.

Literature cited by the submitters: PubMed 15824356; PubMed 27362913; PubMed 16450403; PubMed 17361008; PubMed 26749113; PubMed 26179960.